The following is an entry in ClinVar:

ClinVar aggregate classification (germline): Uncertain significance (1 of 4 stars; one submission).

Submission:

GeneDx
Classification: Uncertain significance. Last evaluated: 2023-11-20. Review status: criteria provided, single submitter. Criteria: GeneDx Variant Classification Process June 2021. Collection method: clinical testing. Allele origin: germline.
Comment: Not observed at significant frequency in large population cohorts (gnomAD); In silico analysis supports that this missense variant does not alter protein structure/function; Has not been previously published as pathogenic or benign to our knowledge; Variants in candidate genes are classified as variants of uncertain significance in accordance with ACMG guidelines (PMID: 25741868)

NM_014921.5(ADGRL1):c.1711C>G (p.Leu571Val)

Genes: ADGRL1 (adhesion G protein-coupled receptor L1; minus strand), ADGRL1-AS1 (ADGRL1 antisense RNA 1; plus strand). Cytogenetic location: 19p13.12.
Variant type: single nucleotide variant.
Coding change: c.1711C>G on transcript NM_014921.5 (MANE Select); coding-DNA position 1711, C replaced by G.
Protein change: p.Leu571Val; replaces leucine 571 with valine.
Molecular consequence: missense variant.
Genome position (GRCh38, 1-based): chr19:14,160,201, G>C on the plus strand (C>G on the coding strand, the complement: ADGRL1 is on the minus strand). VCF-style: chr19-14160201-G-C. GRCh37 (hg19) VCF-style: chr19-14271013-G-C.
Other names: c.1726C>G, p.Leu576Val (NM_001008701.3); short protein forms L576V, L571V.
Identifiers: ClinVar variation 4891417 (VCV004891417.1).
Genomic context (GRCh38, chr19:14,160,201, plus strand): 5'-GCTCGATGGGCCGCAGGGCCTGCAGCTGGGCATCCAGGATGTCCAGCAGCTGCTCCATCA[G>C]CTTCACAGAGGAGGAGACGTCCCCCGCGTAGATGGAGCCCCGGGTGTGTCGGGCCAGCTC-3'
Protein context (NP_055736.2, residues 561-581): YAGDVSSSVK[Leu571Val]MEQLLDILDA